The following is an entry in ClinVar:

NM_000116.5(TAFAZZIN):c.571C>T (p.Arg191Cys)

Gene: TAFAZZIN (tafazzin, phospholipid-lysophospholipid transacylase; plus strand). Cytogenetic location: Xq28.
Variant type: single nucleotide variant.
Coding change: c.571C>T on transcript NM_000116.5 (MANE Select); coding-DNA position 571, C replaced by T.
Protein change: p.Arg191Cys; replaces arginine 191 with cysteine.
Molecular consequence: missense variant. On other transcripts: non-coding transcript variant (1), intron variant (3).
Genome position (GRCh38, 1-based): chrX:154,419,734, C>T. VCF-style: chrX-154419734-C-T. GRCh37 (hg19) VCF-style: chrX-153648073-C-T.
Other names: c.535C>T, p.Arg179Cys (NM_001410698.1); c.481C>T, p.Arg161Cys (NM_181311.4); c.595+111C>T (NM_001303465.2); c.541+111C>T (NM_181312.4); c.451+111C>T (NM_181313.4); short protein forms R191C, R161C, R179C.
Identifiers: ClinVar variation 2564196 (VCV002564196.2), dbSNP rs1330473123, ClinGen allele CA415183949.

ClinVar aggregate classification (germline): Uncertain significance (1 of 4 stars; one submission).

Conditions:
Cardiovascular phenotype. Identifiers: MedGen CN230736.

Allele frequency attached by ClinVar (database versions not stated): gnomAD exomes below 0.00001; TOPMed below 0.00001; gnomAD 0.00001.
gnomAD v4.1: 2 of 1,211,255 alleles (0.00017%); highest among the groups gnomAD compares: Non-Finnish European, 0.00011%; no homozygotes.

Submission:

Ambry Genetics
Classification: Uncertain significance for Cardiovascular phenotype. Last evaluated: 2023-05-31. Review status: criteria provided, single submitter. Criteria: Ambry Variant Classification Scheme 2023. Collection method: clinical testing. Allele origin: germline.
Comment: The p.R191C variant (also known as c.571C>T), located in coding exon 7 of the TAZ gene, results from a C to T substitution at nucleotide position 571. The arginine at codon 191 is replaced by cysteine, an amino acid with highly dissimilar properties. Based on data from gnomAD, the T allele has an overall frequency of 0.0005% (1/183412) total alleles studied, with 0 hemizygote(s) observed. The highest observed frequency was 0.0062% (1/16001) of European (Finnish) alleles. This amino acid position is highly conserved in available vertebrate species. In addition, this alteration is predicted to be deleterious by in silico analysis. Since supporting evidence is limited at this time, the clinical significance of this alteration remains unclear.